The following is an entry in ClinVar:

ClinVar aggregate classification (germline): Benign/Likely benign. Review status: criteria provided, multiple submitters, no conflicts (2 of 4 stars). 10 submissions from 10 submitters: Benign (4); Likely benign (5). 1 of the submissions does not count toward it. Last evaluated 2026-03-01.

Conditions:
Inborn genetic diseases. Identifiers: MedGen C0950123, MeSH D030342.
Charcot-Marie-Tooth disease dominant intermediate E. Also called: CHARCOT-MARIE-TOOTH NEUROPATHY WITH FOCAL SEGMENTAL GLOMERULONEPHRITIS. Identifiers: Orphanet 93114, MedGen C4302667, MONDO:0013758, OMIM 614455.
Focal segmental glomerulosclerosis 5 (FSGS5). Identifiers: Orphanet 656, MedGen C2750475, MONDO:0013191, OMIM 613237.
INF2-related disorder. Also called: INF2-related condition.
Focal segmental glomerulosclerosis (FSGS). Also called: Glomerulosclerosis, focal; Focal sclerosis with hyalinosis. Identifiers: MedGen C0017668, MONDO:0100313, HP:0000097. Disease mechanism: loss of function.

Allele frequency attached by ClinVar (database versions not stated): 1000 Genomes Project 30x 0.00047; 1000 Genomes Project 0.00060; gnomAD exomes 0.00101 and 0.00123; gnomAD 0.00126 and 0.00130; TOPMed 0.00128; ESP Exome Variant Server 0.00156.
gnomAD v4.1: 1,954 of 1,591,924 alleles (0.12%); highest among the groups gnomAD compares: Non-Finnish European, 0.15%; 7 homozygotes.

Submissions (10):

CeGaT Center for Human Genetics Tuebingen
Classification: Likely benign. Last evaluated: 2026-03-01. Review status: criteria provided, single submitter. Criteria: CeGaT Center For Human Genetics Tuebingen Variant Classification Criteria Version 2. Collection method: clinical testing. Allele origin: germline. Affected: yes. Observed: 5 variant alleles.
Comment: INF2: BP4, BS1

Labcorp Genetics (formerly Invitae), Labcorp
Classification: Benign for Charcot-Marie-Tooth disease dominant intermediate E; Focal segmental glomerulosclerosis 5. Last evaluated: 2026-01-10. Review status: criteria provided, single submitter. Criteria: Invitae Variant Classification Sherloc (09022015). Collection method: clinical testing. Allele origin: germline.

Mayo Clinic Laboratories, Mayo Clinic
Classification: Benign. Last evaluated: 2025-01-24. Review status: criteria provided, single submitter. Criteria: ACMG Guidelines, 2015. Collection method: clinical testing. Allele origin: germline. Observed: 6 variant alleles.
Comment: BS1, BS2, BP4

Blueprint Genetics
Classification: Likely benign. Last evaluated: 2024-11-21. Review status: criteria provided, single submitter. Criteria: ACMG Guidelines, 2015. Collection method: clinical testing. Allele origin: germline.

ARUP Laboratories, Molecular Genetics and Genomics, ARUP Laboratories
Classification: Likely benign. Last evaluated: 2023-11-29. Review status: criteria provided, single submitter. Criteria: ARUP Molecular Germline Variant Investigation Process 2024. Collection method: clinical testing. Allele origin: germline.

GeneDx
Classification: Likely benign. Last evaluated: 2021-02-09. Review status: criteria provided, single submitter. Criteria: GeneDx Variant Classification Process June 2021. Collection method: clinical testing. Allele origin: germline. Affected: yes.
Comment: This variant is associated with the following publications: (PMID: 26378787)

Genome Diagnostics Laboratory, The Hospital for Sick Children
Classification: Benign for Focal segmental glomerulosclerosis. Last evaluated: 2020-01-01. Review status: criteria provided, single submitter. Criteria: ACMG Guidelines, 2015. Collection method: clinical testing. Allele origin: germline.

Ambry Genetics
Classification: Likely benign for Inborn genetic diseases. Last evaluated: 2019-10-31. Review status: criteria provided, single submitter. Criteria: Ambry Variant Classification Scheme 2023. Collection method: clinical testing. Allele origin: germline.

Illumina Laboratory Services, Illumina
Classification: Benign for Focal segmental glomerulosclerosis 5. Last evaluated: 2018-01-13. Review status: criteria provided, single submitter. Criteria: ICSL Variant Classification Criteria 13 December 2019. Collection method: clinical testing. Allele origin: germline.
Comment: This variant was observed in the ICSL laboratory as part of a predisposition screen in an ostensibly healthy population. It had not been previously curated by ICSL or reported in the Human Gene Mutation Database (HGMD: prior to June 1st, 2018), and was therefore a candidate for classification through an automated scoring system. Utilizing variant allele frequency, disease prevalence and penetrance estimates, and inheritance mode, an automated score was calculated to assess if this variant is too frequent to cause the disease. Based on the score and internal cut-off values, a variant classified as benign is not then subjected to further curation. The score for this variant resulted in a classification of benign for this disease.

PreventionGenetics, part of Exact Sciences
Classification: Likely benign for INF2-related condition. Last evaluated: 2019-07-25. Review status: no assertion criteria provided. Collection method: clinical testing. Allele origin: germline. Not counted in ClinVar's aggregate classification.
Comment: This variant is classified as likely benign based on ACMG/AMP sequence variant interpretation guidelines (Richards et al. 2015 PMID: 25741868, with internal and published modifications).

NM_022489.4(INF2):c.3134G>A (p.Arg1045Gln)

Gene: INF2 (inverted formin 2; plus strand). Cytogenetic location: 14q32.33.
Variant type: single nucleotide variant.
Coding change: c.3134G>A on transcript NM_022489.4 (MANE Select); coding-DNA position 3134, G replaced by A.
Protein change: p.Arg1045Gln; replaces arginine 1045 with glutamine.
Molecular consequence: missense variant.
Genome position (GRCh38, 1-based): chr14:104,714,296, G>A. VCF-style: chr14-104714296-G-A. GRCh37 (hg19) VCF-style: chr14-105180633-G-A.
Other names: p.Arg1045Gln; c.3134G>A, p.Arg1045Gln (NM_001031714.4); short protein forms R1045Q.
Identifiers: ClinVar variation 312706 (VCV000312706.54), dbSNP rs200369827, ClinGen allele CA7373187.
Genomic context (GRCh38, chr14:104,714,296, plus strand): 5'-GCAGCACGCGCTGTCCCGCCTCTGAGCCCGGCCTTGATGCTACAACAGCCAGCGAGTCCC[G>A]GGGCTGGGACCTTGTAGACGCCGTGACCCCCGGCCCTCAGCCCACCCTGGAGCAGTTGGA-3'
Protein context (NP_071934.3, residues 1035-1055): GLDATTASES[Arg1045Gln]GWDLVDAVTP